The following is an entry in ClinVar:

ClinVar aggregate classification (germline): Pathogenic. Review status: criteria provided, multiple submitters, no conflicts (2 of 4 stars). 3 submissions from 3 submitters: Pathogenic (3). Last evaluated 2025-01-21.

Conditions:
Early-infantile DEE. Also called: Early infantile epileptic encephalopathy with suppression bursts; Early infantile epileptic encephalopathy; Ohtahara syndrome. Identifiers: Orphanet 1934, MedGen C0393706, MONDO:0800491.
Developmental and epileptic encephalopathy, 13 (DEE13). Also called: Early infantile epileptic encephalopathy 13; Developmental and Epileptic Encephalopathy (SCN8A-DEE); SCN8A-Related Epilepsy. Identifiers: Orphanet 442835, MedGen C3281191, MONDO:0013801, OMIM 614558.

Submissions (3):

GeneDx
Classification: Pathogenic. Last evaluated: 2025-01-21. Review status: criteria provided, single submitter. Criteria: GeneDx Variant Classification Process June 2021. Collection method: clinical testing. Allele origin: germline. Affected: yes.
Comment: Not observed at significant frequency in large population cohorts (gnomAD); In silico analysis supports that this missense variant has a deleterious effect on protein structure/function; This substitution is predicted to be within the intracellular loop between the S4 and S5 transmembrane segments of the third homologous domain.; This variant is associated with the following publications: (PMID: 29432985, 31026061, 32090326, 26993267)

Division of Genomic Medicine, Department of Advanced Medicine, Medical Research Institute, Kanazawa Medical University
Classification: Pathogenic for Developmental and epileptic encephalopathy, 13. Last evaluated: 2023-10-01. Review status: criteria provided, single submitter. Criteria: ACMG Guidelines, 2015. Collection method: clinical testing. Allele origin: germline. Affected: yes. Observed: 1 variant allele.
Comment: Also, multiple lines of computational evidence support a deleterious effect (PP3), and reported as pathogenic by others (PS1). It is judged to be pathogenic according to ACMG Guidelines, 2015.

Labcorp Genetics (formerly Invitae), Labcorp
Classification: Pathogenic for Early-infantile DEE. Last evaluated: 2020-09-20. Review status: criteria provided, single submitter. Criteria: Invitae Variant Classification Sherloc (09022015). Collection method: clinical testing. Allele origin: germline.
Comment: For these reasons, this variant has been classified as Pathogenic. Algorithms developed to predict the effect of missense changes on protein structure and function are either unavailable or do not agree on the potential impact of this missense change (SIFT: "Deleterious"; PolyPhen-2: "Probably Damaging"; Align-GVGD: "Class C0"). This variant has been observed in individual(s) with SCN8A-related conditions (PMID: 26993267, 29432985, 31026061). In at least one individual the variant was observed to be de novo. This variant is not present in population databases (ExAC no frequency). This sequence change replaces valine with methionine at codon 1315 of the SCN8A protein (p.Val1315Met). The valine residue is highly conserved and there is a small physicochemical difference between valine and methionine. This variant disrupts the p.Val1315 amino acid residue in SCN8A. Other variant(s) that disrupt this residue have been determined to be pathogenic (Invitae). This suggests that this residue is clinically significant, and that variants that disrupt this residue are likely to be disease-causing.

Literature cited by the submitters: PubMed 26993267 (cited by Labcorp Genetics (formerly Invitae), Labcorp); PubMed 29432985 (cited by Labcorp Genetics (formerly Invitae), Labcorp); PubMed 31026061 (cited by Labcorp Genetics (formerly Invitae), Labcorp).

NM_001330260.2(SCN8A):c.3943G>A (p.Val1315Met)

Gene: SCN8A (sodium voltage-gated channel alpha subunit 8; plus strand). Cytogenetic location: 12q13.13.
Variant type: single nucleotide variant.
Coding change: c.3943G>A on transcript NM_001330260.2 (MANE Select); coding-DNA position 3943, G replaced by A.
Protein change: p.Val1315Met; replaces valine 1315 with methionine.
Molecular consequence: missense variant.
Genome position (GRCh38, 1-based): chr12:51,786,542, G>A. VCF-style: chr12-51786542-G-A. GRCh37 (hg19) VCF-style: chr12-52180326-G-A.
Other names: c.3820G>A, p.Val1274Met (NM_001177984.3, NM_001369788.1); c.3943G>A, p.Val1315Met (NM_014191.4); c.3943G>A (NM_014191.3); short protein forms V1274M, V1315M.
Identifiers: ClinVar variation 1068482 (VCV001068482.11), dbSNP rs1555228303, ClinGen allele CA384904266.